The following is an entry in ClinVar:

NM_004415.4(DSP):c.6248G>A (p.Arg2083His)

Gene: DSP (desmoplakin; plus strand). Cytogenetic location: 6p24.3.
Variant type: single nucleotide variant.
Coding change: c.6248G>A on transcript NM_004415.4 (MANE Select); coding-DNA position 6248, G replaced by A.
Protein change: p.Arg2083His; replaces arginine 2083 with histidine.
Molecular consequence: missense variant.
Genome position (GRCh38, 1-based): chr6:7,583,510, G>A. VCF-style: chr6-7583510-G-A. GRCh37 (hg19) VCF-style: chr6-7583743-G-A.
Other names: p.R2083H:CGT>CAT; c.4451G>A, p.Arg1484His (NM_001008844.3); c.4919G>A, p.Arg1640His (NM_001319034.2); c.6248G>A (LRG_423t1, NM_004415.3); short protein forms R2083H, R1484H, R1640H.
Identifiers: ClinVar variation 199900 (VCV000199900.23), dbSNP rs574637009, ClinGen allele CA006785.

ClinVar aggregate classification (germline): Conflicting classifications of pathogenicity. Review status: criteria provided, conflicting classifications (1 of 4 stars). 8 submissions from 8 submitters: Uncertain significance (6); Benign (1); Likely benign (1). Last evaluated 2025-12-17.

Conditions:
DSP-related disorder. Also called: DSP-related disorders; DSP-related condition.
Cardiovascular phenotype. Identifiers: MedGen CN230736.
Arrhythmogenic right ventricular dysplasia 8 (ARVD8). Also called: Arrhythmogenic Right Ventricular Dysplasia/Cardiomyopathy 8; ARRHYTHMOGENIC RIGHT VENTRICULAR DYSPLASIA, FAMILIAL, 8; ARRHYTHMOGENIC RIGHT VENTRICULAR CARDIOMYOPATHY 8. Identifiers: MedGen C1843896, MONDO:0011831, OMIM 607450.
Arrhythmogenic cardiomyopathy with wooly hair and keratoderma. Also called: Dilated cardiomyopathy with woolly hair and keratoderma; Arrhythmogenic cardiomyopathy with woolly hair and keratoderma; Carvajal syndrome; PALMOPLANTAR KERATODERMA WITH LEFT VENTRICULAR CARDIOMYOPATHY AND WOOLLY HAIR. Identifiers: Orphanet 65282, MedGen C1854063, MONDO:0011581, OMIM 605676.
Cardiomyopathy (CMYO). Also called: Cardiomyopathies. Identifiers: Orphanet 167848, MedGen C0878544, MONDO:0004994, HP:0001638. Inheritance: Various modes of inheritance.

Allele frequency attached by ClinVar (database versions not stated): ExAC 0.00001; gnomAD exomes 0.00002; gnomAD 0.00003; TOPMed 0.00003.
gnomAD v4.1: 31 of 1,614,136 alleles (0.0019%); highest among the groups gnomAD compares: African/African-American, 0.008%; no homozygotes.

Submissions (8):

PreventionGenetics, part of Exact Sciences
Classification: Uncertain significance for DSP-related condition. Last evaluated: 2025-12-17. Review status: criteria provided, single submitter. Criteria: ACMG Guidelines, 2015. Collection method: clinical testing. Allele origin: germline.
Comment: The DSP c.6248G>A variant is predicted to result in the amino acid substitution p.Arg2083His. This variant has been reported in individuals with dilated cardiomyopathy (Table S3, Mazzarotto et al. 2020. PubMed ID: 31983221; Table S9, McGurk et al. 2023. PubMed ID: 37652022). This variant is reported in 0.020% of alleles in individuals of African descent in gnomAD. At this time, the clinical significance of this variant is uncertain due to the absence of conclusive functional and genetic evidence.

Labcorp Genetics (formerly Invitae), Labcorp
Classification: Benign for Arrhythmogenic cardiomyopathy with wooly hair and keratoderma; Arrhythmogenic right ventricular dysplasia 8. Last evaluated: 2025-10-07. Review status: criteria provided, single submitter. Criteria: Invitae Variant Classification Sherloc (09022015). Collection method: clinical testing. Allele origin: germline.

Color Diagnostics, LLC DBA Color Health
Classification: Likely benign for Cardiomyopathy. Last evaluated: 2025-06-09. Review status: criteria provided, single submitter. Criteria: ACMG Guidelines, 2015. Collection method: clinical testing. Allele origin: germline.

Blueprint Genetics
Classification: Uncertain significance. Last evaluated: 2024-10-09. Review status: criteria provided, single submitter. Criteria: ACMG Guidelines, 2015. Collection method: clinical testing. Allele origin: germline.

Ambry Genetics
Classification: Uncertain significance for Cardiovascular phenotype. Last evaluated: 2024-04-17. Review status: criteria provided, single submitter. Criteria: Ambry Variant Classification Scheme 2023. Collection method: clinical testing. Allele origin: germline.

All of Us Research Program, National Institutes of Health
Classification: Uncertain significance for Arrhythmogenic cardiomyopathy with wooly hair and keratoderma. Last evaluated: 2024-02-05. Review status: criteria provided, single submitter. Criteria: ACMG Guidelines, 2015. Collection method: clinical testing. Allele origin: germline. Inheritance: Autosomal dominant inheritance. Observed: 4 variant alleles, 4 heterozygotes.
Comment: This missense variant replaces arginine with histidine at codon 2083 of the DSP protein. Computational prediction suggests that this variant may not impact protein structure and function (internally defined REVEL score threshold <= 0.5, PMID: 27666373). To our knowledge, functional studies have not been reported for this variant. This variant has been reported in an individual affected with dilated cardiomyopathy (PMID: 31983221). This variant has not been identified in the general population by the Genome Aggregation Database (gnomAD). The available evidence is insufficient to determine the role of this variant in disease conclusively. Therefore, this variant is classified as a Variant of Uncertain Significance.

This study involves interpretation of variants in research participants for the purpose of population health screening. Participant phenotype was not available at the time of variant classification. Additional details can be found in publication PMID: 35346344, PMCID: PMC8962531

Stanford Center for Inherited Cardiovascular Disease, Stanford University
Classification: Uncertain significance. Last evaluated: 2016-07-27. Review status: criteria provided, single submitter. Criteria: ACMG Guidelines, 2015. Collection method: provider interpretation. Allele origin: germline.

GeneDx
Classification: Uncertain significance. Last evaluated: 2013-06-12. Review status: criteria provided, single submitter. Criteria: GeneDx Variant Classification (06012015). Collection method: clinical testing. Allele origin: germline. Affected: yes.
Comment: p.Arg2083His (CGT>CAT): c.6248 G>A in exon 24 of the DSP gene (NM_004415.2). The Arg2083His variant in the DSP gene has not been reported as a disease-causing mutation or as a benign polymorphism to our knowledge. Arg2083His results in a conservative amino acid substitution of one positively charged amino acid with another at a position that is conserved across species. In silico analysis predicts Arg2083His is damaging to the protein structure/function. The Arg2083His variant was not observed in approximately 6,500 individuals of European and African American ancestry in the NHLBI Exome Sequencing Project, indicating it is not a common benign variant in these populations. Nevertheless, no mutations in nearby residues have been reported in association with ARVC, indicating this region of the protein may be tolerant of change.With the clinical and molecular information available at this time, we cannot definitively determine if Arg2083His is a disease-causing mutation or a rare benign variant. The variant is found in ARVC panel(s).

Literature cited by the submitters: PubMed 31983221 (cited by All of Us Research Program, National Institutes of Health).